The following is an entry in ClinVar:

ClinVar aggregate classification (germline): Conflicting classifications of pathogenicity. Review status: criteria provided, conflicting classifications (1 of 4 stars). 6 submissions from 6 submitters: Uncertain significance (5); Likely benign (1). Last evaluated 2026-01-22.

Conditions:
Inborn genetic diseases. Identifiers: MedGen C0950123, MeSH D030342.
Brachydactyly type B1 (BDB1). Identifiers: Orphanet 572385, Orphanet 93383, MedGen C1862112, MONDO:0007220, OMIM 113000.
Autosomal recessive Robinow syndrome (RRS1). Also called: COSTOVERTEBRAL SEGMENTATION DEFECT WITH MESOMELIA; COVESDEM SYNDROME; ROR2-Related Robinow Syndrome; ROBINOW SYNDROME, AUTOSOMAL RECESSIVE 1. Identifiers: Orphanet 1507, Orphanet 97360, MedGen C5399974, MONDO:0009999, OMIM 268310.

Allele frequency attached by ClinVar (database versions not stated): gnomAD 0.00010; ESP Exome Variant Server 0.00015; ExAC 0.00016; gnomAD exomes 0.00016; TOPMed 0.00019.
gnomAD v4.1: 225 of 1,613,378 alleles (0.014%); highest among the groups gnomAD compares: Middle Eastern, 0.066%; 1 homozygote.

Submissions (6):

Labcorp Genetics (formerly Invitae), Labcorp
Classification: Uncertain significance. Last evaluated: 2026-01-22. Review status: criteria provided, single submitter. Criteria: Invitae Variant Classification Sherloc (09022015). Collection method: clinical testing. Allele origin: germline.
Comment: This sequence change replaces arginine, which is basic and polar, with glutamine, which is neutral and polar, at codon 747 of the ROR2 protein (p.Arg747Gln). This variant is present in population databases (rs201155263, gnomAD 0.03%). This variant has not been reported in the literature in individuals affected with ROR2-related conditions. ClinVar contains an entry for this variant (Variation ID: 286293). Invitae Evidence Modeling of protein sequence and biophysical properties (such as structural, functional, and spatial information, amino acid conservation, physicochemical variation, residue mobility, and thermodynamic stability) indicates that this missense variant is not expected to disrupt ROR2 protein function with a negative predictive value of 80%. In summary, the available evidence is currently insufficient to determine the role of this variant in disease. Therefore, it has been classified as a Variant of Uncertain Significance.

Fulgent Genetics
Classification: Likely benign for Brachydactyly type B1; Autosomal recessive Robinow syndrome. Last evaluated: 2024-04-26. Review status: criteria provided, single submitter. Criteria: ACMG Guidelines, 2015. Collection method: clinical testing. Allele origin: germline.

CeGaT Center for Human Genetics Tuebingen
Classification: Uncertain significance. Last evaluated: 2023-05-01. Review status: criteria provided, single submitter. Criteria: CeGaT Center For Human Genetics Tuebingen Variant Classification Criteria Version 2. Collection method: clinical testing. Allele origin: germline. Affected: yes. Observed: 2 variant alleles.
Comment: ROR2: PM5

Ambry Genetics
Classification: Uncertain significance for Inborn genetic diseases. Last evaluated: 2022-05-09. Review status: criteria provided, single submitter. Criteria: Ambry Variant Classification Scheme 2023. Collection method: clinical testing. Allele origin: germline.

Eurofins Ntd Llc (ga)
Classification: Uncertain significance. Last evaluated: 2016-02-16. Review status: criteria provided, single submitter. Criteria: EGL Classification Definitions 2015. Collection method: clinical testing. Allele origin: germline. Observed: 2 variant alleles, 2 heterozygotes.

Breakthrough Genomics
Classification: Uncertain significance. Review status: criteria provided, single submitter. Criteria: ACMG Guidelines, 2015. Collection method: not provided. Allele origin: germline. Inheritance: Autosomal recessive inheritance. Affected: yes.

NM_004560.4(ROR2):c.2240G>A (p.Arg747Gln)

Gene: ROR2 (ROR family WNT receptor 2; minus strand). Cytogenetic location: 9q22.31.
Variant type: single nucleotide variant.
Coding change: c.2240G>A on transcript NM_004560.4 (MANE Select); coding-DNA position 2240, G replaced by A.
Protein change: p.Arg747Gln; replaces arginine 747 with glutamine.
Molecular consequence: missense variant.
Genome position (GRCh38, 1-based): chr9:91,724,254, C>T on the plus strand (G>A on the coding strand, the complement: ROR2 is on the minus strand). VCF-style: chr9-91724254-C-T. GRCh37 (hg19) VCF-style: chr9-94486536-C-T.
Other names: c.2240G>A (NM_004560.3); short protein forms R747Q.
Identifiers: ClinVar variation 286293 (VCV000286293.56), dbSNP rs201155263, ClinGen allele CA5120441.